The following is an entry in ClinVar:

NM_004991.4(MECOM):c.3175A>G (p.Ser1059Gly)

Gene: MECOM (MDS1 and EVI1 complex locus; minus strand). Cytogenetic location: 3q26.2.
Variant type: single nucleotide variant.
Coding change: c.3175A>G on transcript NM_004991.4 (MANE Select); coding-DNA position 3175, A replaced by G.
Protein change: p.Ser1059Gly; replaces serine 1059 with glycine.
Molecular consequence: missense variant.
Genome position (GRCh38, 1-based): chr3:169,090,226, T>C on the plus strand (A>G on the coding strand, the complement: MECOM is on the minus strand). VCF-style: chr3-169090226-T-C. GRCh37 (hg19) VCF-style: chr3-168808014-T-C.
Other names: c.2806A>G, p.Ser936Gly (NM_001105077.4); c.2611A>G, p.Ser871Gly (NM_001105078.4, NM_001205194.2, NM_001366469.2 and 1 more transcripts); c.2587A>G, p.Ser863Gly (NM_001163999.2, NM_001366470.2); c.2584A>G, p.Ser862Gly (NM_001164000.2, NM_001366471.2, NM_001366472.2); c.3148A>G, p.Ser1050Gly (NM_001366466.2); c.2614A>G, p.Ser872Gly (NM_001366467.2, NM_001366468.2); c.2176A>G, p.Ser726Gly (NM_001366473.2); c.1612A>G, p.Ser538Gly (NM_001366474.2); and 1 more; short protein forms S1050G, S863G, S1059G, S538G, S862G, S726G, S871G, S872G.
Identifiers: ClinVar variation 2061072 (VCV002061072.5), dbSNP rs149936077, ClinGen allele CA2695948.

ClinVar aggregate classification (germline): Uncertain significance. Review status: criteria provided, multiple submitters, no conflicts (2 of 4 stars). 2 submissions from 2 submitters: Uncertain significance (2). Last evaluated 2025-07-28.

Conditions:
Inborn genetic diseases. Identifiers: MedGen C0950123, MeSH D030342.

Allele frequency attached by ClinVar (database versions not stated): gnomAD exomes 0.00002; ExAC 0.00003; ESP Exome Variant Server 0.00015; gnomAD 0.00017; TOPMed 0.00023.
gnomAD v4.1: 47 of 1,606,030 alleles (0.0029%); highest among the groups gnomAD compares: African/African-American, 0.062%; no homozygotes.

Submissions (2):

Labcorp Genetics (formerly Invitae), Labcorp
Classification: Uncertain significance. Last evaluated: 2025-07-28. Review status: criteria provided, single submitter. Criteria: Invitae Variant Classification Sherloc (09022015). Collection method: clinical testing. Allele origin: germline.
Comment: This sequence change replaces serine, which is neutral and polar, with glycine, which is neutral and non-polar, at codon 871 of the MECOM protein (p.Ser871Gly). This variant is present in population databases (rs149936077, gnomAD 0.04%). This variant has not been reported in the literature in individuals affected with MECOM-related conditions. ClinVar contains an entry for this variant (Variation ID: 2061072). An algorithm developed to predict the effect of missense changes on protein structure and function (PolyPhen-2) suggests that this variant is likely to be tolerated. In summary, the available evidence is currently insufficient to determine the role of this variant in disease. Therefore, it has been classified as a Variant of Uncertain Significance.

Ambry Genetics
Classification: Uncertain significance for Inborn genetic diseases. Last evaluated: 2024-10-05. Review status: criteria provided, single submitter. Criteria: Ambry Variant Classification Scheme 2023. Collection method: clinical testing. Allele origin: germline.
Comment: The p.S1059G variant (also known as c.3175A>G), located in coding exon 15 of the MECOM gene, results from an A to G substitution at nucleotide position 3175. The serine at codon 1059 is replaced by glycine, an amino acid with similar properties. This amino acid position is conserved. In addition, this alteration is predicted to be tolerated by in silico analysis. Based on the available evidence, the clinical significance of this variant remains unclear.